The following is an entry in ClinVar:

ClinVar aggregate classification (germline): Conflicting classifications of pathogenicity. Review status: criteria provided, conflicting classifications (1 of 4 stars). 11 submissions from 11 submitters: Uncertain significance (9); Likely benign (2). Last evaluated 2026-02-01.

Conditions:
Familial thoracic aortic aneurysm and aortic dissection (TAAD). Also called: Thoracic aortic aneurysms and dissections. Identifiers: Orphanet 91387, MedGen C4707243, MONDO:0019625.
Aortic aneurysm, familial thoracic 4 (AAT4). Also called: AORTIC ANEURYSM/AORTIC DISSECTION AND PATENT DUCTUS ARTERIOSUS. Identifiers: MedGen C1851504, MONDO:0007568, OMIM 132900.

Allele frequency attached by ClinVar (database versions not stated): TOPMed 0.00004; ExAC 0.00005; gnomAD 0.00005 and 0.00006; gnomAD exomes 0.00005 and 0.00006; ESP Exome Variant Server 0.00015.
gnomAD v4.1: 95 of 1,613,648 alleles (0.0059%); highest among the groups gnomAD compares: Non-Finnish European, 0.008%; no homozygotes.

Submissions (11):

CeGaT Center for Human Genetics Tuebingen
Classification: Uncertain significance. Last evaluated: 2026-02-01. Review status: criteria provided, single submitter. Criteria: CeGaT Center For Human Genetics Tuebingen Variant Classification Criteria Version 2. Collection method: clinical testing. Allele origin: germline. Affected: yes. Observed: 1 variant allele.
Comment: MYH11: PS4:Supporting

Labcorp Genetics (formerly Invitae), Labcorp
Classification: Uncertain significance for Aortic aneurysm, familial thoracic 4. Last evaluated: 2026-01-02. Review status: criteria provided, single submitter. Criteria: Invitae Variant Classification Sherloc (09022015). Collection method: clinical testing. Allele origin: germline.
Comment: This sequence change replaces alanine, which is neutral and non-polar, with valine, which is neutral and non-polar, at codon 1896 of the MYH11 protein (p.Ala1896Val). This variant is present in population databases (rs369950711, gnomAD 0.01%). This missense change has been observed in individual(s) with clinical features of thoracic aortic aneurysm and dissection (PMID: 28659821, 29510914). ClinVar contains an entry for this variant (Variation ID: 201090). Invitae Evidence Modeling of protein sequence and biophysical properties (such as structural, functional, and spatial information, amino acid conservation, physicochemical variation, residue mobility, and thermodynamic stability) indicates that this missense variant is not expected to disrupt MYH11 protein function with a negative predictive value of 95%. In summary, the available evidence is currently insufficient to determine the role of this variant in disease. Therefore, it has been classified as a Variant of Uncertain Significance.

GeneDx
Classification: Uncertain significance. Last evaluated: 2025-05-08. Review status: criteria provided, single submitter. Criteria: GeneDx Variant Classification Process June 2021. Collection method: clinical testing. Allele origin: germline. Affected: yes.
Comment: In silico analysis supports that this missense variant has a deleterious effect on protein structure/function; This variant is associated with the following publications: (PMID: 21529752, 29510914)

Color Diagnostics, LLC DBA Color Health
Classification: Uncertain significance for Familial thoracic aortic aneurysm and aortic dissection. Last evaluated: 2025-03-31. Review status: criteria provided, single submitter. Criteria: ACMG Guidelines, 2015. Collection method: clinical testing. Allele origin: germline.
Comment: This missense variant replaces alanine with valine at codon 1896 of the MYH11 protein. Computational prediction tool is inconclusive regarding the impact of this variant on protein structure and function. To our knowledge, functional studies have not been reported for this variant. This variant has been reported in an individual suspected to be affected with genetic vascular disease (PMID: 29510914). This variant has been identified in 13/276966 chromosomes in the general population by the Genome Aggregation Database (gnomAD). The available evidence is insufficient to determine the role of this variant in disease conclusively. Therefore, this variant is classified as a Variant of Uncertain Significance.

Women's Health and Genetics/Laboratory Corporation of America, LabCorp
Classification: Likely benign. Last evaluated: 2024-09-04. Review status: criteria provided, single submitter. Criteria: LabCorp Variant Classification Summary - May 2015. Collection method: clinical testing. Allele origin: germline.
Comment: Variant summary: MYH11 c.5687C>T (p.Ala1896Val) results in a non-conservative amino acid change located in the myosin tail domain (IPR002928) of the encoded protein sequence. Three of five in-silico tools predict a damaging effect of the variant on protein function. The variant allele was found at a frequency of 4.8e-05 in 251212 control chromosomes. The observed variant frequency is approximately 38.21 fold of the estimated maximal expected allele frequency for a pathogenic variant in MYH11 causing Aortopathy phenotype (1.3e-06). c.5687C>T has been reported in the literature in individuals affected with bicuspid aortic valve-associated thoracic aortic aneurysm and aortic dissection (Gillis_2017, Hicks_2018). These report(s) do not provide unequivocal conclusions about association of the variant with Aortopathy. To our knowledge, no experimental evidence demonstrating an impact on protein function has been reported. The following publications have been ascertained in the context of this evaluation (PMID: 28659821, 29510914). ClinVar contains an entry for this variant (Variation ID: 201090). Based on the evidence outlined above, the variant was classified as likely benign.

ARUP Laboratories, Molecular Genetics and Genomics, ARUP Laboratories
Classification: Uncertain significance. Last evaluated: 2024-04-01. Review status: criteria provided, single submitter. Criteria: ARUP Molecular Germline Variant Investigation Process 2024. Collection method: clinical testing. Allele origin: germline.
Comment: The MYH11 c.5666C>T; p.Ala1889Val variant (rs369950711, ClinVar Variation ID: 201090), also known as c.5687C>T; p.Ala1896Val for NM_001040113.2, is reported in the literature in an individual affected with aortic dissection (Hicks 2018). This variant is found in the non-Finnish European population with an allele frequency of 0.010% (13/129114 alleles) in the Genome Aggregation Database (v2.1.1). Computational analyses are uncertain whether this variant is neutral or deleterious (REVEL: 0.608). Due to limited information, the clinical significance of this variant is uncertain at this time. References: Hicks KL et al. Testing patterns for genetically triggered aortic and arterial aneurysms and dissections at an academic center. J Vasc Surg. 2018 Sep;68(3):701-711. PMID: 29510914.

All of Us Research Program, National Institutes of Health
Classification: Uncertain significance for Familial thoracic aortic aneurysm and aortic dissection. Last evaluated: 2024-01-22. Review status: criteria provided, single submitter. Criteria: ACMG Guidelines, 2015. Collection method: clinical testing. Allele origin: germline. Inheritance: Autosomal dominant inheritance. Observed: 21 variant alleles, 21 heterozygotes.
Comment: This missense variant replaces alanine with valine at codon 1896 of the MYH11 protein. Computational prediction is inconclusive regarding the impact of this variant on protein structure and function (internally defined REVEL score threshold 0.5 < inconclusive < 0.7, PMID: 27666373). To our knowledge, functional studies have not been reported for this variant. This variant has been reported in an individual referred for suspected genetic vascular disease (PMID: 29510914). This variant has also been identified in 13/276966 chromosomes in the general population by the Genome Aggregation Database (gnomAD). The available evidence is insufficient to determine the role of this variant in disease conclusively. Therefore, this variant is classified as a Variant of Uncertain Significance.

This study involves interpretation of variants in research participants for the purpose of population health screening. Participant phenotype was not available at the time of variant classification. Additional details can be found in publication PMID: 35346344, PMCID: PMC8962531

Ambry Genetics
Classification: Likely benign for Familial thoracic aortic aneurysm and aortic dissection. Last evaluated: 2022-08-03. Review status: criteria provided, single submitter. Criteria: Ambry Variant Classification Scheme 2023. Collection method: clinical testing. Allele origin: germline.

Institute of Human Genetics, University of Leipzig Medical Center
Classification: Uncertain significance for Aortic aneurysm, familial thoracic 4. Last evaluated: 2019-05-31. Review status: criteria provided, single submitter. Criteria: ACMG Guidelines, 2015. Collection method: clinical testing. Allele origin: germline. Affected: yes. Observed: 1 variant allele.

CHEO Genetics Diagnostic Laboratory, Children's Hospital of Eastern Ontario
Classification: Uncertain significance for Familial thoracic aortic aneurysm and aortic dissection. Last evaluated: 2018-10-16. Review status: criteria provided, single submitter. Criteria: ACMG Guidelines, 2015. Collection method: clinical testing. Allele origin: germline.

Illumina Laboratory Services, Illumina
Classification: Uncertain significance for Aortic aneurysm, familial thoracic 4. Last evaluated: 2018-01-15. Review status: criteria provided, single submitter. Criteria: ICSL Variant Classification Criteria 13 December 2019. Collection method: clinical testing. Allele origin: germline.

Literature cited by the submitters: PubMed 28659821 (cited by Labcorp Genetics (formerly Invitae), Labcorp and Women's Health and Genetics/Laboratory Corporation of America, LabCorp); PubMed 29510914 (cited by 5 submitters).

NM_002474.3(MYH11):c.5666C>T (p.Ala1889Val)

Genes: MYH11 (myosin heavy chain 11; minus strand), NDE1 (nudE neurodevelopment protein 1; plus strand). Cytogenetic location: 16p13.11.
Variant type: single nucleotide variant.
Coding change: c.5666C>T on transcript NM_002474.3 (MANE Select); coding-DNA position 5666, C replaced by T.
Protein change: p.Ala1889Val; replaces alanine 1889 with valine.
Molecular consequence: missense variant. On other transcripts: intron variant (2).
Genome position (GRCh38, 1-based): chr16:15,715,029, G>A on the plus strand (C>T on the coding strand, the complement: MYH11 is on the minus strand). VCF-style: chr16-15715029-G-A. GRCh37 (hg19) VCF-style: chr16-15808886-G-A.
Other names: p.A1889V:GCA>GTA; c.5687C>T, p.Ala1896Val (NM_001040113.2, NM_001040114.2); c.5666C>T, p.Ala1889Val (NM_022844.3); c.948-9162G>A (NM_001143979.2, NM_017668.3); short protein forms A1889V, A1896V.
Identifiers: ClinVar variation 201090 (VCV000201090.34), dbSNP rs369950711, ClinGen allele CA306613.